The following is an entry in ClinVar:

NM_001852.4(COL9A2):c.682C>T (p.Pro228Ser)

Gene: COL9A2 (collagen type IX alpha 2 chain; minus strand). Cytogenetic location: 1p34.2.
Variant type: single nucleotide variant.
Coding change: c.682C>T on transcript NM_001852.4 (MANE Select); coding-DNA position 682, C replaced by T.
Protein change: p.Pro228Ser; replaces proline 228 with serine.
Molecular consequence: missense variant.
Genome position (GRCh38, 1-based): chr1:40,310,716, G>A on the plus strand (C>T on the coding strand, the complement: COL9A2 is on the minus strand). VCF-style: chr1-40310716-G-A. GRCh37 (hg19) VCF-style: chr1-40776388-G-A.
Other names: short protein forms P228S.
Identifiers: ClinVar variation 1199096 (VCV001199096.32), dbSNP rs370064150, ClinGen allele CA791814.

ClinVar aggregate classification (germline): Conflicting classifications of pathogenicity. Review status: criteria provided, conflicting classifications (1 of 4 stars). 7 submissions from 7 submitters: Uncertain significance (3); Likely benign (3). 1 of the submissions does not count toward it. Last evaluated 2025-01-23.

Conditions:
COL9A2-related disorder. Also called: COL9A2-related condition.
Stickler syndrome, type 5 (STL5). Also called: COL9A2-Related Stickler Syndrome. Identifiers: Orphanet 250984, Orphanet 828, MedGen C3280342, MONDO:0013666, OMIM 614284.

Allele frequency attached by ClinVar (database versions not stated): gnomAD exomes 0.00005; TOPMed 0.00006; ExAC 0.00018.
gnomAD v4.1: 72 of 1,567,114 alleles (0.0046%); highest among the groups gnomAD compares: Admixed American, 0.03%; 2 homozygotes.

Submissions (7):

Labcorp Genetics (formerly Invitae), Labcorp
Classification: Uncertain significance. Last evaluated: 2025-01-23. Review status: criteria provided, single submitter. Criteria: Invitae Variant Classification Sherloc (09022015). Collection method: clinical testing. Allele origin: germline.
Comment: This sequence change replaces proline, which is neutral and non-polar, with serine, which is neutral and polar, at codon 228 of the COL9A2 protein (p.Pro228Ser). This variant is present in population databases (rs370064150, gnomAD 0.04%). This variant has not been reported in the literature in individuals affected with COL9A2-related conditions. ClinVar contains an entry for this variant (Variation ID: 1199096). An algorithm developed to predict the effect of missense changes on protein structure and function (PolyPhen-2) suggests that this variant is likely to be disruptive. In summary, the available evidence is currently insufficient to determine the role of this variant in disease. Therefore, it has been classified as a Variant of Uncertain Significance.

Blueprint Genetics
Classification: Likely benign. Last evaluated: 2024-11-19. Review status: criteria provided, single submitter. Criteria: ACMG Guidelines, 2015. Collection method: clinical testing. Allele origin: germline.

CeGaT Center for Human Genetics Tuebingen
Classification: Likely benign. Last evaluated: 2024-01-01. Review status: criteria provided, single submitter. Criteria: CeGaT Center For Human Genetics Tuebingen Variant Classification Criteria Version 2. Collection method: clinical testing. Allele origin: germline. Affected: yes. Observed: 1 variant allele.
Comment: COL9A2: BP4, BS2

Women's Health and Genetics/Laboratory Corporation of America, LabCorp
Classification: Uncertain significance. Last evaluated: 2023-12-22. Review status: criteria provided, single submitter. Criteria: LabCorp Variant Classification Summary - May 2015. Collection method: clinical testing. Allele origin: germline.
Comment: Variant summary: COL9A2 c.682C>T (p.Pro228Ser) results in a non-conservative amino acid change located in the Collagen triple helix repeat (IPR008160) of the encoded protein sequence. Three of five in-silico tools predict a damaging effect of the variant on protein function. In addition, this variant disrupts the third-to-last nucleotide of exon 13, and therefore can affect splicing. Consensus agreement among computation tools predict no significant impact on normal splicing. However, these predictions have yet to be confirmed by functional studies. The variant allele was found at a frequency of 4.6e-05 in 1567114 control chromosomes (i.e., 72 alleles) in the gnomAD v4 database, including 2 homozygotes. The available data on variant occurrences in the general population are insufficient to allow any conclusion about variant significance, although are not suggestive of a variant associated with highly penetrant autosomal recessive or dominant disease. To our knowledge, no occurrence of c.682C>T in individuals affected with Epiphyseal dysplasia, multiple, 2 and no experimental evidence demonstrating its impact on protein function have been reported. Two submitters have reported clinical-significance assessments for this variant to ClinVar after 2014. One submitter classified the variant as likely benign, and one submitter classified the variant as uncertain significance. Based on the evidence outlined above, the variant was classified as VUS-possibly benign.

Victorian Clinical Genetics Services, Murdoch Childrens Research Institute
Classification: Uncertain significance for Stickler syndrome, type 5. Last evaluated: 2020-05-21. Review status: criteria provided, single submitter. Criteria: ACMG Guidelines, 2015. Collection method: clinical testing. Allele origin: germline. Affected: yes.
Comment: A heterozygous missense variant was identified, NM_001852.3(COL9A2):c.682C>T in exon 13 of 32 of the COL9A2 gene. This substitution is predicted to create a moderate amino acid change from proline to serine at position 228 of the protein, NP_001843.1(COL9A2):p.(Pro228Ser), and may cause a splice site change leading to aberrant splicing. Further testing via RNA studies are required to confirm if splicing is altered. The proline at this position has moderate conservation (100 vertebrates, UCSC), and is located within the collagen triple helix repeat region. In silico software predictions of the pathogenicity of this variant are conflicting (Polyphen, SIFT, CADD, Mutation Taster). In silico software does not predict this variant to cause aberrant splicing (NetGene2, Fruit fly, Human Splicing Finder). The variant is present in the gnomAD population database at a frequency of 0.0052% (11 heterozygotes, 0 homozygotes). The variant has not been previously reported in a clinical testing setting. Based on information available at the time of curation, this variant has been classified as a VARIANT of UNCERTAIN SIGNIFICANCE (VUS). Legend: (P) - Pathogenic, (N) - Neutral, (B) - Benign

GeneDx
Classification: Likely benign. Last evaluated: 2020-03-16. Review status: criteria provided, single submitter. Criteria: GeneDx Variant Classification Process June 2021. Collection method: clinical testing. Allele origin: germline. Affected: yes.
Comment: Has not been previously published as pathogenic or benign to our knowledge; In silico analysis supports that this missense variant has a deleterious effect on protein structure/function

PreventionGenetics, part of Exact Sciences
Classification: Uncertain significance for COL9A2-related condition. Last evaluated: 2024-03-27. Review status: no assertion criteria provided. Collection method: clinical testing. Allele origin: germline. Not counted in ClinVar's aggregate classification.
Comment: The COL9A2 c.682C>T variant is predicted to result in the amino acid substitution p.Pro228Ser. To our knowledge, this variant has not been reported in the literature. This variant is reported in 0.048% of alleles in individuals of East Asian descent in gnomAD. At this time, the clinical significance of this variant is uncertain due to the absence of conclusive functional and genetic evidence.